The following is an entry in ClinVar:

NM_000316.3(PTH1R):c.395C>G (p.Pro132Arg)

Genes: PTH1R (parathyroid hormone 1 receptor; plus strand), LOC129936652 (ATAC-STARR-seq lymphoblastoid silent region 14297; plus strand). Cytogenetic location: 3p21.31.
Variant type: single nucleotide variant.
Coding change: c.395C>G on transcript NM_000316.3 (MANE Select); coding-DNA position 395, C replaced by G.
Protein change: p.Pro132Arg; replaces proline 132 with arginine.
Molecular consequence: missense variant.
Genome position (GRCh38, 1-based): chr3:46,897,936, C>G. VCF-style: chr3-46897936-C-G. GRCh37 (hg19) VCF-style: chr3-46939426-C-G.
Other names: c.395C>G, p.Pro132Arg (NM_001184744.1); short protein forms P132R.
Identifiers: ClinVar variation 1379239 (VCV001379239.6), dbSNP rs121434599, ClinGen allele CA352494464.
Genomic context (GRCh38, chr3:46,897,936, plus strand): 5'-GGGACCACATCCTGTGCTGGCCGCTGGGGGCACCAGGTGAGGTGGTGGCTGTGCCCTGTC[C>G]GGACTACATTTATGACTTCAATCACAAAGGTGAGGCCTGCTGGAAGGGGTGGGGATTACA-3'
Protein context (NP_000307.1, residues 122-142): APGEVVAVPC[Pro132Arg]DYIYDFNHKG

ClinVar aggregate classification (germline): Uncertain significance (1 of 4 stars; one submission).

Submission:

Labcorp Genetics (formerly Invitae), Labcorp
Classification: Uncertain significance. Last evaluated: 2021-10-20. Review status: criteria provided, single submitter. Criteria: Invitae Variant Classification Sherloc (09022015). Collection method: clinical testing. Allele origin: germline.
Comment: In summary, the available evidence is currently insufficient to determine the role of this variant in disease. Therefore, it has been classified as a Variant of Uncertain Significance. This variant disrupts the p.Pro132 amino acid residue in PTH1R. Other variant(s) that disrupt this residue have been determined to be pathogenic (PMID: 17164305, 21404329, 31986066). This suggests that this residue is clinically significant, and that variants that disrupt this residue are likely to be disease-causing. Algorithms developed to predict the effect of missense changes on protein structure and function are either unavailable or do not agree on the potential impact of this missense change (SIFT: "Deleterious"; PolyPhen-2: "Probably Damaging"; Align-GVGD: "Class C0"). This variant has been observed in individual(s) with primary failure of tooth eruption (Invitae). This variant is not present in population databases (ExAC no frequency). This sequence change replaces proline with arginine at codon 132 of the PTH1R protein (p.Pro132Arg). The proline residue is weakly conserved and there is a moderate physicochemical difference between proline and arginine.

Literature cited by the submitters: PubMed 17164305; PubMed 21404329; PubMed 31986066.